The following is an entry in ClinVar:

ClinVar aggregate classification (germline): Uncertain significance. Review status: criteria provided, multiple submitters, no conflicts (2 of 4 stars). 4 submissions from 4 submitters: Uncertain significance (4). Last evaluated 2025-04-20.

Conditions:
Myopathy, proximal, and ophthalmoplegia (CMYO6). Also called: INCLUSION BODY MYOPATHY 3, AUTOSOMAL DOMINANT; MYOPATHY WITH CONGENITAL JOINT CONTRACTURES, OPHTHALMOPLEGIA, AND RIMMED VACUOLES; CONGENITAL MYOPATHY 6 WITH OPHTHALMOPLEGIA. Identifiers: Orphanet 363677, Orphanet 79091, MedGen C1854106, MONDO:0011577, OMIM 605637.
Inborn genetic diseases. Identifiers: MedGen C0950123, MeSH D030342.

Allele frequency attached by ClinVar (database versions not stated): ExAC 0.00002; TOPMed 0.00002; ESP Exome Variant Server 0.00008.

Submissions (4):

Ambry Genetics
Classification: Uncertain significance for Inborn genetic diseases. Last evaluated: 2025-04-20. Review status: criteria provided, single submitter. Criteria: Ambry Variant Classification Scheme 2023. Collection method: clinical testing. Allele origin: germline.

Revvity Omics, Revvity
Classification: Uncertain significance for Myopathy, proximal, and ophthalmoplegia. Last evaluated: 2025-03-19. Review status: criteria provided, single submitter. Criteria: ACMG Guidelines, 2015. Collection method: clinical testing. Allele origin: germline.

Labcorp Genetics (formerly Invitae), Labcorp
Classification: Uncertain significance for Myopathy, proximal, and ophthalmoplegia. Last evaluated: 2024-04-17. Review status: criteria provided, single submitter. Criteria: Invitae Variant Classification Sherloc (09022015). Collection method: clinical testing. Allele origin: germline.
Comment: This sequence change replaces arginine, which is basic and polar, with serine, which is neutral and polar, at codon 1285 of the MYH2 protein (p.Arg1285Ser). The frequency data for this variant in the population databases is considered unreliable, as metrics indicate poor data quality at this position in the gnomAD database. This variant has not been reported in the literature in individuals affected with MYH2-related conditions. ClinVar contains an entry for this variant (Variation ID: 661370). Advanced modeling of protein sequence and biophysical properties (such as structural, functional, and spatial information, amino acid conservation, physicochemical variation, residue mobility, and thermodynamic stability) performed at Invitae indicates that this missense variant is expected to disrupt MYH2 protein function with a positive predictive value of 80%. In summary, the available evidence is currently insufficient to determine the role of this variant in disease. Therefore, it has been classified as a Variant of Uncertain Significance.

Genomic Medicine Center of Excellence, King Faisal Specialist Hospital and Research Centre
Classification: Uncertain significance for Myopathy, proximal, and ophthalmoplegia. Last evaluated: 2024-03-25. Review status: criteria provided, single submitter. Criteria: ACMG Guidelines, 2015. Collection method: research. Allele origin: germline.

NM_017534.6(MYH2):c.3853C>A (p.Arg1285Ser)

Genes: MYHAS (myosin heavy chain gene cluster antisense RNA; plus strand), MYH2 (myosin heavy chain 2; minus strand). Cytogenetic location: 17p13.1.
Variant type: single nucleotide variant.
Coding change: c.3853C>A on transcript NM_017534.6 (MANE Select); coding-DNA position 3853, C replaced by A.
Protein change: p.Arg1285Ser; replaces arginine 1285 with serine.
Molecular consequence: missense variant.
Genome position (GRCh38, 1-based): chr17:10,527,766, G>T on the plus strand (C>A on the coding strand, the complement: MYH2 is on the minus strand). VCF-style: chr17-10527766-G-T. GRCh37 (hg19) VCF-style: chr17-10431083-G-T.
Other names: c.3853C>A, p.Arg1285Ser (NM_001100112.2); c.3853C>A (NM_017534.5); short protein forms R1285S.
Identifiers: ClinVar variation 661370 (VCV000661370.12), dbSNP rs374494789, ClinGen allele CA8390792.